The following is an entry in ClinVar:

NM_014317.5(PDSS1):c.1027T>C (p.Phe343Leu)

Gene: PDSS1 (decaprenyl diphosphate synthase subunit 1; plus strand). Cytogenetic location: 10p12.1.
Variant type: single nucleotide variant.
Coding change: c.1027T>C on transcript NM_014317.5 (MANE Select); coding-DNA position 1027, T replaced by C.
Protein change: p.Phe343Leu; replaces phenylalanine 343 with leucine.
Molecular consequence: missense variant.
Genome position (GRCh38, 1-based): chr10:26,742,497, T>C. VCF-style: chr10-26742497-T-C. GRCh37 (hg19) VCF-style: chr10-27031426-T-C.
Other names: c.836T>C, p.Phe279Ser (NM_001321978.2); c.517T>C, p.Phe173Leu (NM_001321979.2); short protein forms F173L, F343L, F279S.
Identifiers: ClinVar variation 2167857 (VCV002167857.2), dbSNP rs775642132, ClinGen allele CA5447116.
Genomic context (GRCh38, chr10:26,742,497, plus strand): 5'-ACTTGTTTCTCCCAAGAGAAATAAATAGATTTTCTCAGATTTTCTCTCTTTTTTTGTTAG[T>C]TCCCAGAAATGAATGCTATGATCATGCGACGGTTCAGTTTGCCTGGAGATGTAGACAGAG-3'
Protein context (NP_055132.2, residues 333-353): TGPVLFACQQ[Phe343Leu]PEMNAMIMRR

ClinVar aggregate classification (germline): Uncertain significance. Review status: criteria provided, multiple submitters, no conflicts (2 of 4 stars). 2 submissions from 2 submitters: Uncertain significance (2). Last evaluated 2024-04-18.

Conditions:
Deafness-encephaloneuropathy-obesity-valvulopathy syndrome. Identifiers: Orphanet 254898, MedGen C3553354, MONDO:0013837, OMIM 614651.

Allele frequency attached by ClinVar (database versions not stated): ExAC 0.00001; gnomAD exomes 0.00001.
gnomAD v4.1: 7 of 1,608,648 alleles (0.00044%); highest among the groups gnomAD compares: Admixed American, 0.012%; no homozygotes.

Submissions (2):

Fulgent Genetics
Classification: Uncertain significance for Deafness-encephaloneuropathy-obesity-valvulopathy syndrome. Last evaluated: 2024-04-18. Review status: criteria provided, single submitter. Criteria: ACMG Guidelines, 2015. Collection method: clinical testing. Allele origin: germline.

Labcorp Genetics (formerly Invitae), Labcorp
Classification: Uncertain significance. Last evaluated: 2022-04-03. Review status: criteria provided, single submitter. Criteria: Invitae Variant Classification Sherloc (09022015). Collection method: clinical testing. Allele origin: germline.
Comment: This sequence change replaces phenylalanine, which is neutral and non-polar, with leucine, which is neutral and non-polar, at codon 343 of the PDSS1 protein (p.Phe343Leu). This variant is present in population databases (rs775642132, gnomAD 0.01%). This variant has not been reported in the literature in individuals affected with PDSS1-related conditions. Algorithms developed to predict the effect of missense changes on protein structure and function are either unavailable or do not agree on the potential impact of this missense change (SIFT: "Not Available"; PolyPhen-2: "Possibly Damaging"; Align-GVGD: "Not Available"). In summary, the available evidence is currently insufficient to determine the role of this variant in disease. Therefore, it has been classified as a Variant of Uncertain Significance.